The following is an entry in ClinVar:

ClinVar aggregate classification (germline): Uncertain significance (1 of 4 stars; one submission).

Conditions:
Kabuki syndrome. Also called: Kabuki make-up syndrome; NIIKAWA-KUROKI SYNDROME. Identifiers: Orphanet 2322, MedGen C0796004, MONDO:0016512.

Submission:

Labcorp Genetics (formerly Invitae), Labcorp
Classification: Uncertain significance for Kabuki syndrome. Last evaluated: 2022-08-15. Review status: criteria provided, single submitter. Criteria: Invitae Variant Classification Sherloc (09022015). Collection method: clinical testing. Allele origin: germline.
Comment: In summary, the available evidence is currently insufficient to determine the role of this variant in disease. Therefore, it has been classified as a Variant of Uncertain Significance. Advanced modeling of protein sequence and biophysical properties (such as structural, functional, and spatial information, amino acid conservation, physicochemical variation, residue mobility, and thermodynamic stability) performed at Invitae indicates that this missense variant is not expected to disrupt KMT2D protein function. This sequence change replaces proline, which is neutral and non-polar, with leucine, which is neutral and non-polar, at codon 3143 of the KMT2D protein (p.Pro3143Leu). This variant is not present in population databases (gnomAD no frequency). This variant has not been reported in the literature in individuals affected with KMT2D-related conditions. ClinVar contains an entry for this variant (Variation ID: 1372372).

NM_003482.4(KMT2D):c.9428C>T (p.Pro3143Leu)

Gene: KMT2D (lysine methyltransferase 2D; minus strand). Cytogenetic location: 12q13.12.
Variant type: single nucleotide variant.
Coding change: c.9428C>T on transcript NM_003482.4 (MANE Select); coding-DNA position 9428, C replaced by T.
Protein change: p.Pro3143Leu; replaces proline 3143 with leucine.
Molecular consequence: missense variant.
Genome position (GRCh38, 1-based): chr12:49,037,928, G>A on the plus strand (C>T on the coding strand, the complement: KMT2D is on the minus strand). VCF-style: chr12-49037928-G-A. GRCh37 (hg19) VCF-style: chr12-49431711-G-A.
Other names: short protein forms P3143L.
Identifiers: ClinVar variation 1372372 (VCV001372372.6), dbSNP rs2120487832, ClinGen allele CA384738042.